The following is an entry in ClinVar:

ClinVar aggregate classification (germline): Likely benign (1 of 4 stars; one submission).

Conditions:
Junctional epidermolysis bullosa. Identifiers: Orphanet 305, MedGen C0079301, MONDO:0017612.

Allele frequency attached by ClinVar (database versions not stated): gnomAD 0.00023 and 0.00034; 1000 Genomes Project 0.00060; TOPMed 0.00024; 1000 Genomes Project 30x 0.00047.

Submission:

Illumina Laboratory Services, Illumina
Classification: Likely benign for Junctional epidermolysis bullosa. Last evaluated: 2018-01-13. Review status: criteria provided, single submitter. Criteria: ICSL Variant Classification Criteria 13 December 2019. Collection method: clinical testing. Allele origin: germline.
Comment: This variant was observed in the ICSL laboratory as part of a predisposition screen in an ostensibly healthy population. It had not been previously curated by ICSL or reported in the Human Gene Mutation Database (HGMD: prior to June 1st, 2018), and was therefore a candidate for classification through an automated scoring system. Utilizing variant allele frequency, disease prevalence and penetrance estimates, and inheritance mode, an automated score was calculated to assess if this variant is too frequent to cause the disease. Based on the score and internal cut-off values, a variant classified as likely benign is not then subjected to further curation. The score for this variant resulted in a classification of likely benign for this disease.

NM_005562.3(LAMC2):c.*848C>T

Gene: LAMC2 (laminin subunit gamma 2; plus strand). Cytogenetic location: 1q25.3.
Variant type: single nucleotide variant.
Coding change: c.*848C>T on transcript NM_005562.3 (MANE Select); 848 bases downstream of the stop codon, C replaced by T.
Molecular consequence: 3 prime UTR variant.
Genome position (GRCh38, 1-based): chr1:183,244,248, C>T. VCF-style: chr1-183244248-C-T. GRCh37 (hg19) VCF-style: chr1-183213383-C-T.
Identifiers: ClinVar variation 294035 (VCV000294035.5), dbSNP rs546806342, ClinGen allele CA10608412.